The following is an entry in ClinVar:

ClinVar aggregate classification (germline): Pathogenic (1 of 4 stars; one submission).

Conditions:
Osteogenesis imperfecta type I (OI1). Also called: OI, TYPE I; OSTEOGENESIS IMPERFECTA TARDA; OSTEOGENESIS IMPERFECTA WITH BLUE SCLERAE; Osteogenesis imperfecta type 1; Lobstein's Disease; Lobstein disease. Identifiers: Orphanet 216796, Orphanet 666, MedGen C0023931, MONDO:0008146, OMIM 166200. Disease mechanism: loss of function.

Submission:

Laboratory of Genetic Skeletal Anomaly, Seoul National University Children's Hospital
Classification: Pathogenic for Osteogenesis imperfecta type I. Last evaluated: 2025-03-01. Review status: criteria provided, single submitter. Criteria: ACMG Guidelines, 2015. Collection method: research. Allele origin: germline. Affected: yes.
Comment: This variant is a novel variant not previously reported in the literature or population databases. It was classified based on available in silico predictions and absence from gnomAD.

NM_000088.4(COL1A1):c.433G>T (p.Gly145Ter)

Gene: COL1A1 (collagen type I alpha 1 chain; minus strand). Cytogenetic location: 17q21.33.
Variant type: single nucleotide variant.
Coding change: c.433G>T on transcript NM_000088.4 (MANE Select); coding-DNA position 433, G replaced by T.
Protein change: p.Gly145Ter; replaces glycine 145 with a stop codon.
Molecular consequence: nonsense.
Genome position (GRCh38, 1-based): chr17:50,199,264, C>A on the plus strand (G>T on the coding strand, the complement: COL1A1 is on the minus strand). VCF-style: chr17-50199264-C-A. GRCh37 (hg19) VCF-style: chr17-48276625-C-A.
Other names: short protein forms G145*.
Identifiers: ClinVar variation 4280714 (VCV004280714.1).